The following is an entry in ClinVar:

ClinVar aggregate classification (germline): Conflicting classifications of pathogenicity. Review status: criteria provided, conflicting classifications (1 of 4 stars). 3 submissions from 3 submitters: Uncertain significance (2); Benign (1). Last evaluated 2021-11-02.

Conditions:
Cataract 41 (CTRCT41). Also called: CATARACT 41, CONGENITAL NUCLEAR TYPE. Identifiers: Orphanet 91492, Orphanet 98991, Orphanet 98992, Orphanet 98995, MedGen C3805412, MONDO:0007287, OMIM 116400.
Wolfram-like syndrome. Also called: HEARING LOSS, PROGRESSIVE, WITH OPTIC ATROPHY AND/OR IMPAIRED GLUCOSE REGULATION. Identifiers: Orphanet 411590, MedGen C3280358, MONDO:0013673, OMIM 614296.
Wolfram syndrome 1 (WFS1). Identifiers: Orphanet 3463, MedGen C4551693, MONDO:0009101, OMIM 222300.
Autosomal dominant nonsyndromic hearing loss 6 (LFSNHL). Also called: DEAFNESS, AUTOSOMAL DOMINANT 14; DEAFNESS, AUTOSOMAL DOMINANT 38; Autosomal dominant nonsyndromic deafness 6; DEAFNESS, AUTOSOMAL DOMINANT 6. Identifiers: Orphanet 90635, MedGen C1833021, MONDO:0010963, OMIM 600965.
Type 2 diabetes mellitus. Also called: Type II diabetes mellitus. Identifiers: MedGen C0011860, MeSH D003924, MONDO:0005148, OMIM 125853, HP:0005978.
Monogenic diabetes. Identifiers: Orphanet 183625, MedGen C3888631, MONDO:0015967.

Allele frequency attached by ClinVar (database versions not stated): TOPMed below 0.00001.

Submissions (3):

Fulgent Genetics
Classification: Uncertain significance for Cataract 41; Type 2 diabetes mellitus; Wolfram syndrome 1; Autosomal dominant nonsyndromic hearing loss 6; Wolfram-like syndrome. Last evaluated: 2021-11-02. Review status: criteria provided, single submitter. Criteria: ACMG Guidelines, 2015. Collection method: clinical testing. Allele origin: unknown.

Personalized Diabetes Medicine Program, University of Maryland School of Medicine
Classification: Uncertain significance for Monogenic diabetes. Last evaluated: 2016-10-11. Review status: criteria provided, single submitter. Criteria: ACMG Guidelines, 2015. Collection method: research. Allele origin: unknown. Observed: 1 variant allele, 1 heterozygote.
Comment: ACMG Criteria: PM2, PP3, BP4

Clinical Genomics, Uppaluri K&H Personalized Medicine Clinic
Classification: Benign for Wolfram syndrome 1. Review status: criteria provided, single submitter. Criteria: K & H Uppaluri Personalized Medicine Clinic Variant Classification & Assertion Criteria_Updated V.1. Collection method: research. Allele origin: unknown. Inheritance: Autosomal recessive inheritance.
Comment: Potent mutations in WFS1 gene are associated with Wolfram's syndrome, an autosomal recessive condition, which cause diabetes mellitus, diabetes insipidus, deafness and optic atrophy. However no sufficient evidence is found to ascertain the role of this particular variant rs1057524887 in Wolfram's syndrome yet.

Literature cited by the submitters: PubMed 20738327 (cited by Clinical Genomics, Uppaluri K&H Personalized Medicine Clinic); PubMed 33879153 (cited by Clinical Genomics, Uppaluri K&H Personalized Medicine Clinic); PubMed 12955714 (cited by Clinical Genomics, Uppaluri K&H Personalized Medicine Clinic); PubMed 18060660 (cited by Clinical Genomics, Uppaluri K&H Personalized Medicine Clinic); PubMed 20301750 (cited by Clinical Genomics, Uppaluri K&H Personalized Medicine Clinic); PubMed 17603484 (cited by Clinical Genomics, Uppaluri K&H Personalized Medicine Clinic).

NM_006005.3(WFS1):c.172G>A (p.Ala58Thr)

Gene: WFS1 (wolframin ER transmembrane glycoprotein; plus strand). Cytogenetic location: 4p16.1.
Variant type: single nucleotide variant.
Coding change: c.172G>A on transcript NM_006005.3 (MANE Select); coding-DNA position 172, G replaced by A.
Protein change: p.Ala58Thr; replaces alanine 58 with threonine.
Molecular consequence: missense variant.
Genome position (GRCh38, 1-based): chr4:6,277,627, G>A. VCF-style: chr4-6277627-G-A. GRCh37 (hg19) VCF-style: chr4-6279354-G-A.
Other names: c.172G>A, p.Ala58Thr (NM_001145853.1); short protein forms A58T.
Identifiers: ClinVar variation 393384 (VCV000393384.3), dbSNP rs1057524887, ClinGen allele CA16609249.